The following is an entry in ClinVar:

NM_017654.4(SAMD9):c.427A>G (p.Ile143Val)

Gene: SAMD9 (sterile alpha motif domain containing 9; minus strand). Cytogenetic location: 7q21.2.
Variant type: single nucleotide variant.
Coding change: c.427A>G on transcript NM_017654.4 (MANE Select); coding-DNA position 427, A replaced by G.
Protein change: p.Ile143Val; replaces isoleucine 143 with valine.
Molecular consequence: missense variant.
Genome position (GRCh38, 1-based): chr7:93,105,671, T>C on the plus strand (A>G on the coding strand, the complement: SAMD9 is on the minus strand). VCF-style: chr7-93105671-T-C. GRCh37 (hg19) VCF-style: chr7-92734984-T-C.
Other names: c.427A>G, p.Ile143Val (NM_001193307.2); short protein forms I143V.
Identifiers: ClinVar variation 2787766 (VCV002787766.3), dbSNP rs1454462576, ClinGen allele CA368205224.

ClinVar aggregate classification (germline): Uncertain significance (1 of 4 stars; one submission).

Allele frequency attached by ClinVar (database versions not stated): gnomAD exomes 0.00001.
gnomAD v4.1: 3 of 1,614,156 alleles (0.00019%); highest among the groups gnomAD compares: Middle Eastern, 0.016%; no homozygotes.

Submission:

Labcorp Genetics (formerly Invitae), Labcorp
Classification: Uncertain significance. Last evaluated: 2023-06-14. Review status: criteria provided, single submitter. Criteria: Invitae Variant Classification Sherloc (09022015). Collection method: clinical testing. Allele origin: germline.
Comment: This sequence change replaces isoleucine, which is neutral and non-polar, with valine, which is neutral and non-polar, at codon 143 of the SAMD9 protein (p.Ile143Val). This variant is present in population databases (no rsID available, gnomAD 0.0009%). This variant has not been reported in the literature in individuals affected with SAMD9-related conditions. Advanced modeling of protein sequence and biophysical properties (such as structural, functional, and spatial information, amino acid conservation, physicochemical variation, residue mobility, and thermodynamic stability) performed at Invitae indicates that this missense variant is not expected to disrupt SAMD9 protein function. In summary, the available evidence is currently insufficient to determine the role of this variant in disease. Therefore, it has been classified as a Variant of Uncertain Significance.